The following is an entry in ClinVar:

NM_030928.4(CDT1):c.1349G>A (p.Arg450His)

Gene: CDT1 (chromatin licensing and DNA replication factor 1; plus strand). Cytogenetic location: 16q24.3.
Variant type: single nucleotide variant.
Coding change: c.1349G>A on transcript NM_030928.4 (MANE Select); coding-DNA position 1349, G replaced by A.
Protein change: p.Arg450His; replaces arginine 450 with histidine.
Molecular consequence: missense variant.
Genome position (GRCh38, 1-based): chr16:88,807,354, G>A. VCF-style: chr16-88807354-G-A. GRCh37 (hg19) VCF-style: chr16-88873762-G-A.
Other names: short protein forms R450H.
Identifiers: ClinVar variation 2062616 (VCV002062616.5), dbSNP rs772355366, ClinGen allele CA8234132.

ClinVar aggregate classification (germline): Uncertain significance. Review status: criteria provided, multiple submitters, no conflicts (2 of 4 stars). 2 submissions from 2 submitters: Uncertain significance (2). Last evaluated 2022-10-12.

Conditions:
Inborn genetic diseases. Identifiers: MedGen C0950123, MeSH D030342.

Allele frequency attached by ClinVar (database versions not stated): gnomAD exomes 0.00001; TOPMed 0.00002; ExAC 0.00003; gnomAD 0.00002.
gnomAD v4.1: 27 of 1,612,442 alleles (0.0017%); highest among the groups gnomAD compares: South Asian, 0.012%; no homozygotes.

Submissions (2):

Ambry Genetics
Classification: Uncertain significance for Inborn genetic diseases. Last evaluated: 2022-10-12. Review status: criteria provided, single submitter. Criteria: Ambry Variant Classification Scheme 2023. Collection method: clinical testing. Allele origin: germline.

Labcorp Genetics (formerly Invitae), Labcorp
Classification: Uncertain significance. Last evaluated: 2022-02-10. Review status: criteria provided, single submitter. Criteria: Invitae Variant Classification Sherloc (09022015). Collection method: clinical testing. Allele origin: germline.
Comment: In summary, the available evidence is currently insufficient to determine the role of this variant in disease. Therefore, it has been classified as a Variant of Uncertain Significance. This variant has not been reported in the literature in individuals affected with CDT1-related conditions. This sequence change replaces arginine, which is basic and polar, with histidine, which is basic and polar, at codon 450 of the CDT1 protein (p.Arg450His). This variant is present in population databases (rs772355366, gnomAD 0.02%). Algorithms developed to predict the effect of missense changes on protein structure and function are either unavailable or do not agree on the potential impact of this missense change (SIFT: "Deleterious"; PolyPhen-2: "Benign"; Align-GVGD: "Class C0").